The following is an entry in ClinVar:

NM_000528.4(MAN2B1):c.308C>T (p.Ser103Leu)

Gene: MAN2B1 (mannosidase alpha class 2B member 1; minus strand). Cytogenetic location: 19p13.13.
Variant type: single nucleotide variant.
Coding change: c.308C>T on transcript NM_000528.4 (MANE Select); coding-DNA position 308, C replaced by T.
Protein change: p.Ser103Leu; replaces serine 103 with leucine.
Molecular consequence: missense variant.
Genome position (GRCh38, 1-based): chr19:12,665,480, G>A on the plus strand (C>T on the coding strand, the complement: MAN2B1 is on the minus strand). VCF-style: chr19-12665480-G-A. GRCh37 (hg19) VCF-style: chr19-12776294-G-A.
Other names: c.308C>T, p.Ser103Leu (NM_001173498.2); c.308C>T (NM_000528.3); short protein forms S103L.
Identifiers: ClinVar variation 1076057 (VCV001076057.16), dbSNP rs1369134650, ClinGen allele CA404257150.

ClinVar aggregate classification (germline): Conflicting classifications of pathogenicity. Review status: criteria provided, conflicting classifications (1 of 4 stars). 4 submissions from 4 submitters: Pathogenic (2); Uncertain significance (2). Last evaluated 2026-02-01.

Conditions:
Deficiency of alpha-mannosidase (MANSA). Also called: Alpha-Mannosidosis; LYSOSOMAL ALPHA-D-MANNOSIDASE DEFICIENCY; Mannosidosis, alpha-, types I and II. Identifiers: Orphanet 61, MedGen C0024748, MONDO:0009561, OMIM 248500.
MAN2B1-related disorder. Also called: MAN2B1-related condition.

Allele frequency attached by ClinVar (database versions not stated): gnomAD exomes below 0.00001; gnomAD 0.00001.
gnomAD v4.1: 12 of 1,614,050 alleles (0.00074%); highest among the groups gnomAD compares: African/African-American, 0.0013%; no homozygotes.

Submissions (4):

Labcorp Genetics (formerly Invitae), Labcorp
Classification: Pathogenic for Deficiency of alpha-mannosidase. Last evaluated: 2026-02-01. Review status: criteria provided, single submitter. Criteria: Invitae Variant Classification Sherloc (09022015). Collection method: clinical testing. Allele origin: germline.
Comment: This sequence change replaces serine, which is neutral and polar, with leucine, which is neutral and non-polar, at codon 103 of the MAN2B1 protein (p.Ser103Leu). This variant is present in population databases (no rsID available, gnomAD 0.003%). This missense change has been observed in individual(s) with alpha-mannosidosis (PMID: 28559085). In at least one individual the data is consistent with being in trans (on the opposite chromosome) from a pathogenic variant. It has also been observed to segregate with disease in related individuals. ClinVar contains an entry for this variant (Variation ID: 1076057). Invitae Evidence Modeling of protein sequence and biophysical properties (such as structural, functional, and spatial information, amino acid conservation, physicochemical variation, residue mobility, and thermodynamic stability) has been performed for this missense variant. However, the output from this modeling did not meet the statistical confidence thresholds required to predict the impact of this variant on MAN2B1 protein function. For these reasons, this variant has been classified as Pathogenic.

Women's Health and Genetics/Laboratory Corporation of America, LabCorp
Classification: Uncertain significance. Last evaluated: 2025-07-07. Review status: criteria provided, single submitter. Criteria: LabCorp Variant Classification Summary - May 2015. Collection method: clinical testing. Allele origin: germline.
Comment: Variant summary: MAN2B1 c.308C>T (p.Ser103Leu) results in a non-conservative amino acid change in the encoded protein sequence. Algorithms developed to predict the effect of missense changes on protein structure and function all suggest that this variant is likely to be disruptive. The variant allele was found at a frequency of 4e-06 in 251438 control chromosomes. c.308C>T has been observed in the compound heterozygous state in at least 3 related individual(s) affected with Alpha-Mannosidosis (example, Stone_2017), including at least 1 family where it segregated with disease. These data indicate that the variant may be associated with disease. To our knowledge, no experimental evidence demonstrating an impact on protein function has been reported. The following publication has been ascertained in the context of this evaluation (PMID: 28559085). ClinVar contains an entry for this variant (Variation ID: 1076057). Based on the evidence outlined above, the variant was classified as VUS-possibly pathogenic.

PreventionGenetics, part of Exact Sciences
Classification: Uncertain significance for MAN2B1-related condition. Last evaluated: 2025-03-06. Review status: criteria provided, single submitter. Criteria: ACMG Guidelines, 2015. Collection method: clinical testing. Allele origin: germline.
Comment: The MAN2B1 c.308C>T variant is predicted to result in the amino acid substitution p.Ser103Leu. This variant was reported along with a pathogenic MAN2B1 in multiple affected members of a family with alpha-mannosidosis, with the authors reporting that the variants segregated with disease among the affected family members. However, the phase of the variants was not clear from the available data (Supplemental Table 1, Stone et al. 2017. PubMed ID: 28559085). This variant is reported in 0.0033% of alleles in individuals of South Asian descent in gnomAD. Although we suspect that this variant may be pathogenic, at this time, the clinical significance of this variant is uncertain due to the absence of conclusive functional and genetic evidence.

Genome-Nilou Lab
Classification: Pathogenic for Deficiency of alpha-mannosidase. Last evaluated: 2021-09-05. Review status: criteria provided, single submitter. Criteria: ACMG Guidelines, 2015. Collection method: clinical testing. Allele origin: germline. Affected: no.

Literature cited by the submitters: PubMed 28559085 (cited by Labcorp Genetics (formerly Invitae), Labcorp and Women's Health and Genetics/Laboratory Corporation of America, LabCorp).